The following is an entry in ClinVar:

ClinVar aggregate classification (germline): Uncertain significance (1 of 4 stars; one submission).

Conditions:
Hereditary spastic paraplegia 11. Also called: Nakamura Osame syndrome; Autosomal recessive hereditary spastic paraplegia, mental impairment, and thin corpus callosum; SPASTIC PARAPLEGIA, AUTOSOMAL RECESSIVE, COMPLICATED, WITH THIN CORPUS CALLOSUM; SPASTIC PARAPLEGIA, AUTOSOMAL RECESSIVE, WITH MENTAL IMPAIRMENT AND THIN CORPUS CALLOSUM; Spastic paraplegia, mental retardation and thin corpus callosum; Spastic Paraplegia 11. Identifiers: Orphanet 2822, MedGen C1858479, MONDO:0011445, OMIM 604360.

Allele frequency attached by ClinVar (database versions not stated): gnomAD exomes below 0.00001 and 0.00001; ExAC 0.00003; TOPMed 0.00003; gnomAD 0.00004; ESP Exome Variant Server 0.00015.
gnomAD v4.1: 7 of 1,614,026 alleles (0.00043%); highest among the groups gnomAD compares: African/African-American, 0.0093%; no homozygotes.

Submission:

Labcorp Genetics (formerly Invitae), Labcorp
Classification: Uncertain significance for Hereditary spastic paraplegia 11. Last evaluated: 2021-09-24. Review status: criteria provided, single submitter. Criteria: Invitae Variant Classification Sherloc (09022015). Collection method: clinical testing. Allele origin: germline.
Comment: This sequence change replaces glutamine with histidine at codon 479 of the SPG11 protein (p.Gln479His). The glutamine residue is moderately conserved and there is a small physicochemical difference between glutamine and histidine. This variant is present in population databases (rs377499551, ExAC 0.04%). This variant has not been reported in the literature in individuals with SPG11-related conditions. Algorithms developed to predict the effect of missense changes on protein structure and function are either unavailable or do not agree on the potential impact of this missense change (SIFT: "Tolerated"; PolyPhen-2: "Probably Damaging"; Align-GVGD: "Class C0"). In summary, the available evidence is currently insufficient to determine the role of this variant in disease. Therefore, it has been classified as a Variant of Uncertain Significance.

NM_025137.4(SPG11):c.1437G>T (p.Gln479His)

Gene: SPG11 (SPG11 vesicle trafficking associated, spatacsin; minus strand). Cytogenetic location: 15q21.1.
Variant type: single nucleotide variant.
Coding change: c.1437G>T on transcript NM_025137.4 (MANE Select); coding-DNA position 1437, G replaced by T.
Protein change: p.Gln479His; replaces glutamine 479 with histidine.
Molecular consequence: missense variant.
Genome position (GRCh38, 1-based): chr15:44,651,510, C>A on the plus strand (G>T on the coding strand, the complement: SPG11 is on the minus strand). VCF-style: chr15-44651510-C-A. GRCh37 (hg19) VCF-style: chr15-44943708-C-A.
Other names: c.1437G>T, p.Gln479His (NM_001160227.2); short protein forms Q479H.
Identifiers: ClinVar variation 1492648 (VCV001492648.5), dbSNP rs377499551, ClinGen allele CA7535560.